The following is an entry in ClinVar:

ClinVar aggregate classification (germline): Uncertain significance (1 of 4 stars; one submission).

Conditions:
Familial cancer of breast. Also called: BREAST CANCER, FAMILIAL; Hereditary breast cancer; hereditary breast carcinoma. Identifiers: Orphanet 227535, MedGen C0346153, MONDO:0016419, OMIM 114480. Disease mechanism: loss of function.

Submission:

Labcorp Genetics (formerly Invitae), Labcorp
Classification: Uncertain significance for Familial cancer of breast. Last evaluated: 2017-09-10. Review status: criteria provided, single submitter. Criteria: Invitae Variant Classification Sherloc (09022015). Collection method: clinical testing. Allele origin: germline.
Comment: In summary, the available evidence is currently insufficient to determine the role of this variant in disease. Therefore, it has been classified as a Variant of Uncertain Significance. Algorithms developed to predict the effect of missense changes on protein structure and function (SIFT, PolyPhen-2, Align-GVGD) all suggest that this variant is likely to be disruptive, but these predictions have not been confirmed by published functional studies and their clinical significance is uncertain. This variant has not been reported in the literature in individuals with BARD1-related disease. This variant is not present in population databases (ExAC no frequency). This sequence change replaces proline with alanine at codon 396 of the BARD1 protein (p.Pro396Ala). The proline residue is highly conserved and there is a small physicochemical difference between proline and alanine.

NM_000465.4(BARD1):c.1186C>G (p.Pro396Ala)

Gene: BARD1 (BRCA1 associated RING domain 1; minus strand). Cytogenetic location: 2q35.
Variant type: single nucleotide variant.
Coding change: c.1186C>G on transcript NM_000465.4 (MANE Select); coding-DNA position 1186, C replaced by G.
Protein change: p.Pro396Ala; replaces proline 396 with alanine.
Molecular consequence: missense variant. On other transcripts: non-coding transcript variant (2), intron variant (3).
Genome position (GRCh38, 1-based): chr2:214,780,688, G>C on the plus strand (C>G on the coding strand, the complement: BARD1 is on the minus strand). VCF-style: chr2-214780688-G-C. GRCh37 (hg19) VCF-style: chr2-215645412-G-C.
Other names: c.1129C>G, p.Pro377Ala (NM_001282543.2); c.159-28133C>G (NM_001282548.2); c.215+16373C>G (NM_001282545.2); c.364+11609C>G (NM_001282549.2); short protein forms P396A, P377A.
Identifiers: ClinVar variation 530101 (VCV000530101.9), dbSNP rs1426044782, ClinGen allele CA350453821.